The following is an entry in ClinVar:

NM_005630.3(SLCO2A1):c.764G>A (p.Gly255Glu)

Gene: SLCO2A1 (solute carrier organic anion transporter family member 2A1; minus strand). Cytogenetic location: 3q22.1.
Variant type: single nucleotide variant.
Coding change: c.764G>A on transcript NM_005630.3 (MANE Select); coding-DNA position 764, G replaced by A.
Protein change: p.Gly255Glu; replaces glycine 255 with glutamic acid.
Molecular consequence: missense variant.
Genome position (GRCh38, 1-based): chr3:133,951,305, C>T on the plus strand (G>A on the coding strand, the complement: SLCO2A1 is on the minus strand). VCF-style: chr3-133951305-C-T. GRCh37 (hg19) VCF-style: chr3-133670149-C-T.
Other names: short protein forms G255E.
Identifiers: ClinVar variation 30187 (VCV000030187.6), dbSNP rs387906806, ClinGen allele CA129009.

ClinVar aggregate classification (germline): Pathogenic. Review status: criteria provided, single submitter (1 of 4 stars). 2 submissions from 2 submitters: Pathogenic (1). 1 of the submissions does not count toward it. Last evaluated 2025-10-22.

Conditions:
Hypertrophic osteoarthropathy, primary, autosomal recessive, 2 (PHOAR2E). Also called: HYPERTROPHIC OSTEOARTHROPATHY, PRIMARY, AUTOSOMAL RECESSIVE, 2/ENTEROPATHY SYNDROME; PHOAR2-enteropathy syndrome; PACHYDERMOPERIOSTOSIS, AUTOSOMAL RECESSIVE; PDP, AUTOSOMAL RECESSIVE. Identifiers: Orphanet 2796, MedGen C3280800, MONDO:0013756, OMIM 614441.

Allele frequency attached by ClinVar (database versions not stated): gnomAD exomes 0.00001.
gnomAD v4.1: 3 of 1,614,172 alleles (0.00019%); highest among the groups gnomAD compares: Non-Finnish European, 0.00025%; no homozygotes.

Submissions (2):

Labcorp Genetics (formerly Invitae), Labcorp
Classification: Pathogenic. Last evaluated: 2025-10-22. Review status: criteria provided, single submitter. Criteria: Invitae Variant Classification Sherloc (09022015). Collection method: clinical testing. Allele origin: germline.
Comment: This sequence change replaces glycine, which is neutral and non-polar, with glutamic acid, which is acidic and polar, at codon 255 of the SLCO2A1 protein (p.Gly255Glu). This variant is not present in population databases (gnomAD no frequency). This missense change has been observed in individual(s) with clinical features of hypertrophic osteoarthropathy (PMID: 22197487, 28425581, 29264471). In at least one individual the data is consistent with being in trans (on the opposite chromosome) from a pathogenic variant. ClinVar contains an entry for this variant (Variation ID: 30187). Invitae Evidence Modeling of protein sequence and biophysical properties (such as structural, functional, and spatial information, amino acid conservation, physicochemical variation, residue mobility, and thermodynamic stability) indicates that this missense variant is expected to disrupt SLCO2A1 protein function with a positive predictive value of 95%. This variant disrupts the p.Gly255 amino acid residue in SLCO2A1. Other variant(s) that disrupt this residue have been observed in individuals with SLCO2A1-related conditions (PMID: 22696055, 33852188), which suggests that this may be a clinically significant amino acid residue. For these reasons, this variant has been classified as Pathogenic.

OMIM
Classification: Pathogenic for PHOAR2-ENTEROPATHY SYNDROME. Last evaluated: 2012-01-13. Review status: no assertion criteria provided. Collection method: literature only. Allele origin: germline. Not counted in ClinVar's aggregate classification.

Literature cited by the submitters: PubMed 22197487 (cited by Labcorp Genetics (formerly Invitae), Labcorp and OMIM); PubMed 28425581 (cited by Labcorp Genetics (formerly Invitae), Labcorp and OMIM); PubMed 29264471 (cited by Labcorp Genetics (formerly Invitae), Labcorp); PubMed 22696055 (cited by Labcorp Genetics (formerly Invitae), Labcorp); PubMed 33852188 (cited by Labcorp Genetics (formerly Invitae), Labcorp).